The following is an entry in ClinVar:

ClinVar aggregate classification (germline): Uncertain significance (1 of 4 stars; one submission).

Conditions:
Anauxetic dysplasia. Identifiers: Orphanet 93347, MedGen C1846796, MONDO:0011773.

Submission:

Labcorp Genetics (formerly Invitae), Labcorp
Classification: Uncertain significance for Anauxetic dysplasia. Last evaluated: 2022-04-24. Review status: criteria provided, single submitter. Criteria: Invitae Variant Classification Sherloc (09022015). Collection method: clinical testing. Allele origin: germline.
Comment: This variant occurs in the RMRP gene, which encodes an RNA molecule that does not result in a protein product. This variant is present in population databases (rs145463993, gnomAD 0.01%). This variant has not been reported in the literature in individuals affected with RMRP-related conditions. In summary, the available evidence is currently insufficient to determine the role of this variant in disease. Therefore, it has been classified as a Variant of Uncertain Significance.

NC_000009.12:g.35658049T>G

Gene: RMRP (RNA component of mitochondrial RNA processing endoribonuclease; minus strand). Cytogenetic location: 9p13.3.
Variant type: single nucleotide variant.
Genome position: GRCh38 VCF-style: chr9-35658049-T-G. GRCh37 (hg19) VCF-style: chr9-35658046-T-G.
Identifiers: ClinVar variation 2168092 (VCV002168092.1), dbSNP rs145463993, ClinGen allele CA5045897.